The following is an entry in ClinVar:

NM_018979.4(WNK1):c.3197C>T (p.Ser1066Phe)

Gene: WNK1 (WNK lysine deficient protein kinase 1; plus strand). Cytogenetic location: 12p13.33.
Variant type: single nucleotide variant.
Coding change: c.3197C>T on transcript NM_018979.4 (MANE Select); coding-DNA position 3197, C replaced by T.
Protein change: p.Ser1066Phe; replaces serine 1066 with phenylalanine.
Molecular consequence: missense variant.
Genome position (GRCh38, 1-based): chr12:881,777, C>T. VCF-style: chr12-881777-C-T. GRCh37 (hg19) VCF-style: chr12-990943-C-T.
Other names: c.3977C>T, p.Ser1326Phe (NM_001184985.2); c.2456C>T, p.Ser819Phe (NM_014823.3); c.3953C>T, p.Ser1318Phe (NM_213655.5); short protein forms S1318F, S1326F, S819F, S1066F.
Identifiers: ClinVar variation 1736453 (VCV001736453.2), dbSNP rs2548987467, ClinGen allele CA383327738.

ClinVar aggregate classification (germline): Uncertain significance (1 of 4 stars; one submission).

Conditions:
Inborn genetic diseases. Identifiers: MedGen C0950123, MeSH D030342.

Submission:

Ambry Genetics
Classification: Uncertain significance for Inborn genetic diseases. Last evaluated: 2022-06-27. Review status: criteria provided, single submitter. Criteria: Ambry Variant Classification Scheme 2023. Collection method: clinical testing. Allele origin: germline.
Comment: The p.S1318F variant (also known as c.3953C>T), located in coding exon 13 of the WNK1 gene, results from a C to T substitution at nucleotide position 3953. The serine at codon 1318 is replaced by phenylalanine, an amino acid with highly dissimilar properties. This amino acid position is well conserved in available vertebrate species. In addition, this alteration is predicted to be tolerated by in silico analysis. Since supporting evidence is limited at this time, the clinical significance of this alteration remains unclear.